The following is an entry in ClinVar:

ClinVar aggregate classification (germline): Uncertain significance (1 of 4 stars; one submission).

gnomAD v4.1: 1 of 1,612,262 alleles (0.000062%); highest among the groups gnomAD compares: Admixed American, 0.0017%; no homozygotes.

Submission:

Labcorp Genetics (formerly Invitae), Labcorp
Classification: Uncertain significance. Last evaluated: 2021-07-26. Review status: criteria provided, single submitter. Criteria: Invitae Variant Classification Sherloc (09022015). Collection method: clinical testing. Allele origin: germline.
Comment: In summary, the available evidence is currently insufficient to determine the role of this variant in disease. Therefore, it has been classified as a Variant of Uncertain Significance. Algorithms developed to predict the effect of sequence changes on RNA splicing suggest that this variant may create or strengthen a splice site. Algorithms developed to predict the effect of missense changes on protein structure and function are either unavailable or do not agree on the potential impact of this missense change (SIFT: "Tolerated"; PolyPhen-2: "Probably Damaging"; Align-GVGD: "Class C0"). This variant has not been reported in the literature in individuals affected with TRIOBP-related conditions. This variant is present in population databases (rs767316702, ExAC 0.009%). This sequence change replaces histidine with glutamine at codon 1067 of the TRIOBP protein (p.His1067Gln). The histidine residue is weakly conserved and there is a small physicochemical difference between histidine and glutamine.

NM_001039141.3(TRIOBP):c.3201C>G (p.His1067Gln)

Gene: TRIOBP (TRIO and F-actin binding protein; plus strand). Cytogenetic location: 22q13.1.
Variant type: single nucleotide variant.
Coding change: c.3201C>G on transcript NM_001039141.3 (MANE Select); coding-DNA position 3201, C replaced by G.
Protein change: p.His1067Gln; replaces histidine 1067 with glutamine.
Molecular consequence: missense variant.
Genome position (GRCh38, 1-based): chr22:37,725,757, C>G. VCF-style: chr22-37725757-C-G. GRCh37 (hg19) VCF-style: chr22-38121764-C-G.
Other names: short protein forms H1067Q.
Identifiers: ClinVar variation 1370188 (VCV001370188.8), dbSNP rs767316702, ClinGen allele CA10224049.